The following is an entry in ClinVar:

NM_022489.4(INF2):c.3513_3518del (p.1171DE[2])

Gene: INF2 (inverted formin 2; plus strand). Cytogenetic location: 14q32.33.
Variant type: Deletion.
Coding change: c.3513_3518del on transcript NM_022489.4 (MANE Select); coding-DNA positions 3513 to 3518, 6 bases deleted (TGAGGA; older notation c.3513_3518delTGAGGA).
Protein change: p.1171DE[2].
Molecular consequence: inframe deletion.
Genome position (GRCh38, 1-based): chr14:104,714,675-104,714,680, TGAGGA deleted; deleting any 6 consecutive bases within chr14:104,714,672-104,714,680 gives the same sequence; the c. name uses the placement nearest the transcript's 3' end. VCF-style (leftmost placement, unchanged base first): chr14-104714671-GGGATGA-G. GRCh37 (hg19) VCF-style: chr14-105181008-GGGATGA-G.
Other names: c.3513_3518del, p.1171DE[2] (NM_001031714.4).
Identifiers: ClinVar variation 2578243 (VCV002578243.1), dbSNP rs1165407043, ClinGen allele CA616584824.
Genomic context (GRCh38, chr14:104,714,671, plus strand): 5'-AGGGGCTGGAGGACGCTGTCCACAGCCGTGGTGCCAGACCCCCTGCAGCAGGCCCAGGTG[GGGATGA>G]GGACGAGGACGAGGAGGACACGGCCCCAGAGTCCGCACTGGACACATCCCTGGACAAGTC-3'

ClinVar aggregate classification (germline): Uncertain significance (1 of 4 stars; one submission).

Submission:

GeneDx
Classification: Uncertain significance. Last evaluated: 2023-03-01. Review status: criteria provided, single submitter. Criteria: GeneDx Variant Classification Process June 2021. Collection method: clinical testing. Allele origin: germline. Affected: yes.
Comment: In-frame deletion of 2 amino acids in a non-repeat region; In silico analysis supports that this variant does not alter protein structure/function; Has not been previously published as pathogenic or benign to our knowledge